The following is an entry in ClinVar:

ClinVar aggregate classification (germline): Conflicting classifications of pathogenicity. Review status: criteria provided, conflicting classifications (1 of 4 stars). 5 submissions from 5 submitters: Uncertain significance (3); Likely benign (1). 1 of the submissions does not count toward it. Last evaluated 2025-07-16.

Conditions:
IFT172-related disorder. Also called: IFT172-related disorders; IFT172-related condition.
Inborn genetic diseases. Identifiers: MedGen C0950123, MeSH D030342.
Retinitis pigmentosa 71 (RP71). Identifiers: Orphanet 791, MedGen C4225342, MONDO:0014618, OMIM 616394.
Short-rib thoracic dysplasia 10 with or without polydactyly (SRTD10). Identifiers: Orphanet 474, MedGen C3810175, MONDO:0014284, OMIM 615630.

Allele frequency attached by ClinVar (database versions not stated): TOPMed 0.00001; gnomAD 0.00002; gnomAD exomes 0.00011; ExAC 0.00013.
gnomAD v4.1: 111 of 1,613,974 alleles (0.0069%); highest among the groups gnomAD compares: South Asian, 0.023%; no homozygotes.

Submissions (5):

Labcorp Genetics (formerly Invitae), Labcorp
Classification: Likely benign for Retinitis pigmentosa 71; Short-rib thoracic dysplasia 10 with or without polydactyly. Last evaluated: 2025-07-16. Review status: criteria provided, single submitter. Criteria: Invitae Variant Classification Sherloc (09022015). Collection method: clinical testing. Allele origin: germline.

Ambry Genetics
Classification: Uncertain significance for Inborn genetic diseases. Last evaluated: 2025-03-06. Review status: criteria provided, single submitter. Criteria: Ambry Variant Classification Scheme 2023. Collection method: clinical testing. Allele origin: germline.

Blueprint Genetics
Classification: Uncertain significance. Last evaluated: 2024-07-29. Review status: criteria provided, single submitter. Criteria: ACMG Guidelines, 2015. Collection method: clinical testing. Allele origin: germline.

New York Genome Center
Classification: Uncertain significance for Retinitis pigmentosa 71; Short-rib thoracic dysplasia 10 with or without polydactyly. Last evaluated: 2022-03-25. Review status: criteria provided, single submitter. Criteria: NYGC Assertion Criteria 2020. Collection method: clinical testing. Allele origin: germline. Observed: 1 heterozygote.

PreventionGenetics, part of Exact Sciences
Classification: Uncertain significance for IFT172-related condition. Last evaluated: 2024-08-30. Review status: no assertion criteria provided. Collection method: clinical testing. Allele origin: germline. Not counted in ClinVar's aggregate classification.
Comment: The IFT172 c.4612G>A variant is predicted to result in the amino acid substitution p.Ala1538Thr. To our knowledge, this variant has not been reported in the literature. This variant is reported in 0.023% of alleles in individuals of South Asian descent in gnomAD. At this time, the clinical significance of this variant is uncertain due to the absence of conclusive functional and genetic evidence.

NM_015662.3(IFT172):c.4612G>A (p.Ala1538Thr)

Gene: IFT172 (intraflagellar transport 172; minus strand). Cytogenetic location: 2p23.3.
Variant type: single nucleotide variant.
Coding change: c.4612G>A on transcript NM_015662.3 (MANE Select); coding-DNA position 4612, G replaced by A.
Protein change: p.Ala1538Thr; replaces alanine 1538 with threonine.
Molecular consequence: missense variant.
Genome position (GRCh38, 1-based): chr2:27,447,562, C>T on the plus strand (G>A on the coding strand, the complement: IFT172 is on the minus strand). VCF-style: chr2-27447562-C-T. GRCh37 (hg19) VCF-style: chr2-27670429-C-T.
Other names: c.4612G>A (NM_015662.1, NM_015662.2); short protein forms A1538T.
Identifiers: ClinVar variation 1432136 (VCV001432136.12), dbSNP rs770733075, ClinGen allele CA1579546.